The following is an entry in ClinVar:

ClinVar aggregate classification (germline): Likely benign (1 of 4 stars; one submission).

Allele frequency attached by ClinVar (database versions not stated): gnomAD 0.00255; ESP Exome Variant Server 0.00265; TOPMed 0.00288; 1000 Genomes Project 30x 0.00297; 1000 Genomes Project 0.00339.
gnomAD v4.1: 824 of 1,614,186 alleles (0.051%); highest among the groups gnomAD compares: African/African-American, 0.82%; 8 homozygotes.

Submission:

CeGaT Center for Human Genetics Tuebingen
Classification: Likely benign. Last evaluated: 2023-01-01. Review status: criteria provided, single submitter. Criteria: CeGaT Center For Human Genetics Tuebingen Variant Classification Criteria Version 2. Collection method: clinical testing. Allele origin: germline. Affected: yes. Observed: 1 variant allele.
Comment: MROH7: BP4, BS2

NM_001039464.4(MROH7):c.191C>G (p.Ser64Cys)

Genes: MROH7-TTC4 (MROH7-TTC4 readthrough (NMD candidate); plus strand), MROH7 (maestro heat like repeat family member 7; plus strand). Cytogenetic location: 1p32.3.
Variant type: single nucleotide variant.
Coding change: c.191C>G on transcript NM_001039464.4 (MANE Select); coding-DNA position 191, C replaced by G.
Protein change: p.Ser64Cys; replaces serine 64 with cysteine.
Molecular consequence: missense variant. On other transcripts: non-coding transcript variant (5), intron variant (1).
Genome position (GRCh38, 1-based): chr1:54,653,117, C>G. VCF-style: chr1-54653117-C-G. GRCh37 (hg19) VCF-style: chr1-55118790-C-G.
Other names: c.-214+11149C>G (NM_001291332.2); short protein forms S64C.
Identifiers: ClinVar variation 2638830 (VCV002638830.24), dbSNP rs150191046, ClinGen allele CA867542.